The following is an entry in ClinVar:

ClinVar aggregate classification (germline): Uncertain significance (1 of 4 stars; one submission).

Submission:

GeneDx
Classification: Uncertain significance. Last evaluated: 2025-01-30. Review status: criteria provided, single submitter. Criteria: GeneDx Variant Classification Process June 2021. Collection method: clinical testing. Allele origin: germline. Affected: yes.
Comment: Not observed at significant frequency in large population cohorts (gnomAD); Frameshift variant predicted to result in protein truncation or nonsense mediated decay in a gene or region of a gene for which loss of function is not a well-established mechanism of disease; Has not been previously published as pathogenic or benign to our knowledge

NM_032271.3(TRAF7):c.712dup (p.Ser238fs)

Gene: TRAF7 (TNF receptor associated factor 7; plus strand). Cytogenetic location: 16p13.3.
Variant type: Duplication.
Coding change: c.712dup on transcript NM_032271.3 (MANE Select); coding-DNA position 712, one base duplicated (A; older notation c.712dupA).
Protein change: p.Ser238fs; shifts the reading frame from serine 238.
Molecular consequence: frameshift variant.
Genome position (GRCh38, 1-based): chr16:2,172,517, A duplicated. VCF-style (leftmost placement, unchanged base first): chr16-2172516-C-CA. GRCh37 (hg19) VCF-style: chr16-2222517-C-CA.
Other names: short protein forms S238fs.
Identifiers: ClinVar variation 4072565 (VCV004072565.1).